The following is an entry in ClinVar:

ClinVar aggregate classification (germline): Pathogenic (1 of 4 stars; one submission).

Conditions:
Retinoblastoma (RB1). Also called: RETINOBLASTOMA, SOMATIC. Identifiers: Orphanet 790, MedGen C0035335, MeSH D012175, MONDO:0008380, OMIM 180200, HP:0009919. Disease mechanism: loss of function. Inheritance: Both sporadic and heritable forms are tested..

Submission:

Labcorp Genetics (formerly Invitae), Labcorp
Classification: Pathogenic for Retinoblastoma. Last evaluated: 2019-02-20. Review status: criteria provided, single submitter. Criteria: Invitae Variant Classification Sherloc (09022015). Collection method: clinical testing. Allele origin: germline.
Comment: For these reasons, this variant has been classified as Pathogenic. Loss-of-function variants in RB1 are known to be pathogenic (PMID: 17096365). This variant has not been reported in the literature in individuals with RB1-related disease. This variant is not present in population databases (ExAC no frequency). This sequence change creates a premature translational stop signal (p.Phe650Leufs*7) in the RB1 gene. It is expected to result in an absent or disrupted protein product.

Literature cited by the submitters: PubMed 17096365.

NM_000321.3(RB1):c.1950_1953del (p.Phe650fs)

Gene: RB1 (RB transcriptional corepressor 1; plus strand). Cytogenetic location: 13q14.2.
Variant type: Deletion.
Coding change: c.1950_1953del on transcript NM_000321.3 (MANE Select); coding-DNA positions 1950 to 1953, 4 bases deleted (TTAT; older notation c.1950_1953delTTAT).
Protein change: p.Phe650fs; shifts the reading frame from phenylalanine 650.
Molecular consequence: frameshift variant.
Genome position (GRCh38, 1-based): chr13:48,456,339-48,456,342, TTAT deleted; deleting any 4 consecutive bases within chr13:48,456,338-48,456,342 gives the same sequence; the c. name uses the placement nearest the transcript's 3' end. VCF-style (leftmost placement, unchanged base first): chr13-48456337-TTTTA-T. GRCh37 (hg19) VCF-style: chr13-49030473-TTTTA-T.
Other names: c.1950_1953delTTAT (NM_000321.2); short protein forms F650fs.
Identifiers: ClinVar variation 648404 (VCV000648404.8), dbSNP rs1593532084, ClinGen allele CA915948563.